The following is an entry in ClinVar:

ClinVar aggregate classification (germline): Benign (1 of 4 stars; one submission).

Allele frequency attached by ClinVar (database versions not stated): 1000 Genomes Project 0.23283; 1000 Genomes Project 30x 0.23220; gnomAD 0.29037.

Submission:

GeneDx
Classification: Benign. Last evaluated: 2018-06-19. Review status: criteria provided, single submitter. Criteria: GeneDx Variant Classification (06012015). Collection method: clinical testing. Allele origin: germline. Affected: yes.
Comment: This variant is considered likely benign or benign based on one or more of the following criteria: it is a conservative change, it occurs at a poorly conserved position in the protein, it is predicted to be benign by multiple in silico algorithms, and/or has population frequency not consistent with disease.

NM_201378.4(PLEC):c.71-1128_71-1127insCT

Genes: PLEC (plectin; minus strand), LOC130001339 (ATAC-STARR-seq lymphoblastoid silent region 19631; plus strand). Cytogenetic location: 8q24.3.
Variant type: Insertion.
Coding change: c.71-1128_71-1127insCT on transcript NM_201378.4 (MANE Plus Clinical); 1128 bases into the intron before coding-DNA position 71 through 1127 bases into the intron before coding-DNA position 71, CT inserted.
Molecular consequence: intron variant.
Genome position: GRCh38 VCF-style: chr8-143939819-C-CAG. GRCh37 (hg19) VCF-style: chr8-145013987-C-CAG.
Other names: c.194-1128_194-1127insCT (NM_001410941.1, NM_000445.5); c.47-1128_47-1127insCT (NM_201379.3); c.524-1128_524-1127insCT (NM_201380.4); c.17-1128_17-1127insCT (NM_201381.3); c.113-1128_113-1127insCT (NM_201382.4); c.125-1128_125-1127insCT (NM_201383.3).
Identifiers: ClinVar variation 683686 (VCV000683686.3), dbSNP rs5895792, ClinGen allele CA187626213.